The following is an entry in ClinVar:

NM_001164665.2(KIAA1549):c.74C>G (p.Pro25Arg)

Gene: KIAA1549 (KIAA1549; minus strand). Cytogenetic location: 7q34.
Variant type: single nucleotide variant.
Coding change: c.74C>G on transcript NM_001164665.2 (MANE Select); coding-DNA position 74, C replaced by G.
Protein change: p.Pro25Arg; replaces proline 25 with arginine.
Molecular consequence: missense variant.
Genome position (GRCh38, 1-based): chr7:138,981,196, G>C on the plus strand (C>G on the coding strand, the complement: KIAA1549 is on the minus strand). VCF-style: chr7-138981196-G-C. GRCh37 (hg19) VCF-style: chr7-138665942-G-C.
Other names: c.74C>G, p.Pro25Arg (NM_020910.3); short protein forms P25R.
Identifiers: ClinVar variation 2131128 (VCV002131128.4), dbSNP rs1192259253, ClinGen allele CA369382517.

ClinVar aggregate classification (germline): Uncertain significance (1 of 4 stars; one submission).

gnomAD v4.1: 6 of 1,064,718 alleles (0.00056%); highest among the groups gnomAD compares: Non-Finnish European, 0.00057%; no homozygotes.

Submission:

Labcorp Genetics (formerly Invitae), Labcorp
Classification: Uncertain significance. Last evaluated: 2022-04-28. Review status: criteria provided, single submitter. Criteria: Invitae Variant Classification Sherloc (09022015). Collection method: clinical testing. Allele origin: germline.
Comment: Algorithms developed to predict the effect of missense changes on protein structure and function (SIFT, PolyPhen-2, Align-GVGD) all suggest that this variant is likely to be tolerated. This variant has not been reported in the literature in individuals affected with KIAA1549-related conditions. The frequency data for this variant in the population databases is considered unreliable, as metrics indicate insufficient coverage at this position in the gnomAD database. This sequence change replaces proline, which is neutral and non-polar, with arginine, which is basic and polar, at codon 25 of the KIAA1549 protein (p.Pro25Arg). In summary, the available evidence is currently insufficient to determine the role of this variant in disease. Therefore, it has been classified as a Variant of Uncertain Significance.